The following is an entry in ClinVar:

ClinVar aggregate classification (germline): Uncertain significance (1 of 4 stars; one submission).

Conditions:
Neurofibromatosis, type 1 (NF1). Also called: VON RECKLINGHAUSEN DISEASE; Neurofibromatosis, type I; Peripheral type neurofibromatosis; NEUROFIBROMATOSIS, TYPE I, SOMATIC. Identifiers: Orphanet 636, MedGen C0027831, MONDO:0018975, OMIM 162200. Disease mechanism: loss of function.

Submission:

Labcorp Genetics (formerly Invitae), Labcorp
Classification: Uncertain significance for Neurofibromatosis, type 1. Last evaluated: 2023-04-15. Review status: criteria provided, single submitter. Criteria: Invitae Variant Classification Sherloc (09022015). Collection method: clinical testing. Allele origin: germline.
Comment: In summary, the available evidence is currently insufficient to determine the role of this variant in disease. Therefore, it has been classified as a Variant of Uncertain Significance. Variants that disrupt the consensus splice site are a relatively common cause of aberrant splicing (PMID: 17576681, 9536098). RNA analysis provides insufficient evidence to determine the effect of this variant on NF1 splicing (Invitae). This variant has not been reported in the literature in individuals affected with NF1-related conditions. This variant is not present in population databases (gnomAD no frequency). This sequence change falls in intron 33 of the NF1 gene. It does not directly change the encoded amino acid sequence of the NF1 protein. It affects a nucleotide within the consensus splice site.

Literature cited by the submitters: PubMed 17576681; PubMed 9536098.

NM_001042492.3(NF1):c.4577+4del

Gene: NF1 (neurofibromin 1; plus strand). Cytogenetic location: 17q11.2.
Variant type: Deletion.
Coding change: c.4577+4del on transcript NM_001042492.3 (MANE Select); 4 bases into the intron after coding-DNA position 4577, one base deleted (A; older notation c.4577+4delA).
Molecular consequence: intron variant.
Genome position (GRCh38, 1-based): chr17:31,260,519, A deleted; the last of 2 consecutive A bases (chr17:31,260,518-31,260,519); deleting either gives the same sequence. VCF-style (leftmost placement, unchanged base first): chr17-31260517-TA-T. GRCh37 (hg19) VCF-style: chr17-29587535-TA-T.
Other names: c.4514+4del (NM_000267.4).
Identifiers: ClinVar variation 2856471 (VCV002856471.3), dbSNP rs2508422240, ClinGen allele CA2739267405.